The following is an entry in ClinVar:

NM_032634.4(PIGO):c.2176G>A (p.Asp726Asn)

Gene: PIGO (phosphatidylinositol glycan anchor biosynthesis class O; minus strand). Cytogenetic location: 9p13.3.
Variant type: single nucleotide variant.
Coding change: c.2176G>A on transcript NM_032634.4 (MANE Select); coding-DNA position 2176, G replaced by A.
Protein change: p.Asp726Asn; replaces aspartic acid 726 with asparagine.
Molecular consequence: missense variant. On other transcripts: intron variant (2).
Genome position (GRCh38, 1-based): chr9:35,091,711, C>T on the plus strand (G>A on the coding strand, the complement: PIGO is on the minus strand). VCF-style: chr9-35091711-C-T. GRCh37 (hg19) VCF-style: chr9-35091708-C-T.
Other names: c.1345-420G>A (NM_152850.4, NM_001201484.2); short protein forms D726N.
Identifiers: ClinVar variation 1355141 (VCV001355141.8), dbSNP rs1306054354, ClinGen allele CA373320628.

ClinVar aggregate classification (germline): Uncertain significance (1 of 4 stars; one submission).

Conditions:
Hyperphosphatasia with impaired intellectual development syndrome 2. Also called: Hyperphosphatasia with intellectual disability syndrome 2; GLYCOSYLPHOSPHATIDYLINOSITOL BIOSYNTHESIS DEFECT 6. Identifiers: Orphanet 247262, MedGen C3553637, MONDO:0013882, OMIM 614749.

Allele frequency attached by ClinVar (database versions not stated): gnomAD exomes below 0.00001.
gnomAD v4.1: 1 of 1,612,234 alleles (0.000062%); highest among the groups gnomAD compares: Middle Eastern, 0.016%; no homozygotes.

Submission:

Labcorp Genetics (formerly Invitae), Labcorp
Classification: Uncertain significance for Hyperphosphatasia with impaired intellectual development syndrome 2. Last evaluated: 2021-08-05. Review status: criteria provided, single submitter. Criteria: Invitae Variant Classification Sherloc (09022015). Collection method: clinical testing. Allele origin: germline.
Comment: In summary, the available evidence is currently insufficient to determine the role of this variant in disease. Therefore, it has been classified as a Variant of Uncertain Significance. Algorithms developed to predict the effect of missense changes on protein structure and function are either unavailable or do not agree on the potential impact of this missense change (SIFT: "Deleterious"; PolyPhen-2: "Benign"; Align-GVGD: "Class C0"). This variant has not been reported in the literature in individuals with PIGO-related conditions. This variant is not present in population databases (ExAC no frequency). This sequence change replaces aspartic acid with asparagine at codon 726 of the PIGO protein (p.Asp726Asn). The aspartic acid residue is weakly conserved and there is a small physicochemical difference between aspartic acid and asparagine.